The following is an entry in ClinVar:

ClinVar aggregate classification (germline): Benign (1 of 4 stars; one submission).

Conditions:
Dermatofibrosis lenticularis disseminata (BOS). Also called: DERMATOFIBROSIS LENTICULARIS DISSEMINATA WITH OSTEOPOIKILOSIS; DERMATOOSTEOPOIKILOSIS; OSTEOPATHIA CONDENSANS DISSEMINATA. Identifiers: Orphanet 1306, MedGen C0265514, MONDO:0008157, OMIM 166700.

Allele frequency attached by ClinVar (database versions not stated): gnomAD exomes 0.00106; gnomAD 0.03790 and 0.04091; 1000 Genomes Project 0.03834; 1000 Genomes Project 30x 0.04091; TOPMed 0.04184.
gnomAD v4.1: 5,700 of 153,872 alleles (3.7%); highest among the groups gnomAD compares: African/African-American, 13%; 350 homozygotes.

Submission:

Illumina Laboratory Services, Illumina
Classification: Benign for Dermatofibrosis lenticularis disseminata. Last evaluated: 2018-01-13. Review status: criteria provided, single submitter. Criteria: ICSL Variant Classification Criteria 13 December 2019. Collection method: clinical testing. Allele origin: germline.
Comment: This variant was observed in the ICSL laboratory as part of a predisposition screen in an ostensibly healthy population. It had not been previously curated by ICSL or reported in the Human Gene Mutation Database (HGMD: prior to June 1st, 2018), and was therefore a candidate for classification through an automated scoring system. Utilizing variant allele frequency, disease prevalence and penetrance estimates, and inheritance mode, an automated score was calculated to assess if this variant is too frequent to cause the disease. Based on the score and internal cut-off values, a variant classified as benign is not then subjected to further curation. The score for this variant resulted in a classification of benign for this disease.

NM_014319.5(LEMD3):c.*655C>T

Gene: LEMD3 (LEM domain containing 3; plus strand). Cytogenetic location: 12q14.3.
Variant type: single nucleotide variant.
Coding change: c.*655C>T on transcript NM_014319.5 (MANE Select); 655 bases downstream of the stop codon, C replaced by T.
Molecular consequence: 3 prime UTR variant.
Genome position (GRCh38, 1-based): chr12:65,246,980, C>T. VCF-style: chr12-65246980-C-T. GRCh37 (hg19) VCF-style: chr12-65640760-C-T.
Other names: c.*655C>T (NM_001167614.2).
Identifiers: ClinVar variation 310247 (VCV000310247.5), dbSNP rs12302249, ClinGen allele CA10643205.
Genomic context (GRCh38, chr12:65,246,980, plus strand): 5'-GTGGTGAAAGTAGTCTTGTTTTATGAGGATGTCTGCATTAAAGCAGTAAAATAAGCTTTC[C>T]ATTTTATTCATAATCTAATGTGTGTGTATATATGTATGTGTGTATGTGTGTGTATATATA-3'